The following is an entry in ClinVar:

ClinVar aggregate classification (germline): Uncertain significance (1 of 4 stars; one submission).

Submission:

Labcorp Genetics (formerly Invitae), Labcorp
Classification: Uncertain significance. Last evaluated: 2025-12-06. Review status: criteria provided, single submitter. Criteria: Invitae Variant Classification Sherloc (09022015). Collection method: clinical testing. Allele origin: germline.
Comment: This sequence change replaces proline, which is neutral and non-polar, with leucine, which is neutral and non-polar, at codon 188 of the KLHDC8B protein (p.Pro188Leu). This variant is present in population databases (no rsID available, gnomAD 0.0009%). This variant has not been reported in the literature in individuals affected with KLHDC8B-related conditions. ClinVar contains an entry for this variant (Variation ID: 3621543). An algorithm developed to predict the effect of missense changes on protein structure and function (PolyPhen-2) suggests that this variant is likely to be disruptive. In summary, the available evidence is currently insufficient to determine the role of this variant in disease. Therefore, it has been classified as a Variant of Uncertain Significance.

NM_173546.3(KLHDC8B):c.563C>T (p.Pro188Leu)

Gene: KLHDC8B (kelch domain containing 8B; plus strand). Cytogenetic location: 3p21.31.
Variant type: single nucleotide variant.
Coding change: c.563C>T on transcript NM_173546.3 (MANE Select); coding-DNA position 563, C replaced by T.
Protein change: p.Pro188Leu; replaces proline 188 with leucine.
Molecular consequence: missense variant.
Genome position (GRCh38, 1-based): chr3:49,174,763, C>T. VCF-style: chr3-49174763-C-T. GRCh37 (hg19) VCF-style: chr3-49212196-C-T.
Other names: short protein forms P188L.
Identifiers: ClinVar variation 3621543 (VCV003621543.2).